The following is an entry in ClinVar:

ClinVar aggregate classification (germline): Uncertain significance. Review status: criteria provided, multiple submitters, no conflicts (2 of 4 stars). 2 submissions from 2 submitters: Uncertain significance (2). Last evaluated 2025-01-13.

Conditions:
Familial cold autoinflammatory syndrome 3 (FCAS3). Also called: ANTIBODY DEFICIENCY AND IMMUNE DYSREGULATION, PLCG2-ASSOCIATED; FAMILIAL ATYPICAL COLD URTICARIA. Identifiers: Orphanet 300359, MedGen C3280914, MONDO:0013766, OMIM 614468.

Allele frequency attached by ClinVar (database versions not stated): TOPMed below 0.00001; gnomAD 0.00001.
gnomAD v4.1: 7 of 1,613,798 alleles (0.00043%); highest among the groups gnomAD compares: Non-Finnish European, 0.00059%; no homozygotes.

Submissions (2):

Labcorp Genetics (formerly Invitae), Labcorp
Classification: Uncertain significance for Familial cold autoinflammatory syndrome 3. Last evaluated: 2025-01-13. Review status: criteria provided, single submitter. Criteria: Invitae Variant Classification Sherloc (09022015). Collection method: clinical testing. Allele origin: germline.
Comment: This sequence change replaces glutamic acid, which is acidic and polar, with lysine, which is basic and polar, at codon 1195 of the PLCG2 protein (p.Glu1195Lys). This variant is not present in population databases (gnomAD no frequency). This variant has not been reported in the literature in individuals affected with PLCG2-related conditions. ClinVar contains an entry for this variant (Variation ID: 2886954). An algorithm developed to predict the effect of missense changes on protein structure and function (PolyPhen-2) suggests that this variant is likely to be tolerated. In summary, the available evidence is currently insufficient to determine the role of this variant in disease. Therefore, it has been classified as a Variant of Uncertain Significance.

Mayo Clinic Laboratories, Mayo Clinic
Classification: Uncertain significance. Last evaluated: 2024-09-09. Review status: criteria provided, single submitter. Criteria: ACMG Guidelines, 2015. Collection method: clinical testing. Allele origin: germline. Observed: 1 variant allele.
Comment: BP4, PM2

NM_002661.5(PLCG2):c.3583G>A (p.Glu1195Lys)

Gene: PLCG2 (phospholipase C gamma 2; plus strand). Cytogenetic location: 16q23.3.
Variant type: single nucleotide variant.
Coding change: c.3583G>A on transcript NM_002661.5 (MANE Select); coding-DNA position 3583, G replaced by A.
Protein change: p.Glu1195Lys; replaces glutamic acid 1195 with lysine.
Molecular consequence: missense variant.
Genome position (GRCh38, 1-based): chr16:81,956,707, G>A. VCF-style: chr16-81956707-G-A. GRCh37 (hg19) VCF-style: chr16-81990312-G-A.
Other names: p.Glu1195Lys; c.3583G>A, p.Glu1195Lys (NM_001425749.1, NM_001425750.1, NM_001425751.1); short protein forms E1195K.
Identifiers: ClinVar variation 2886954 (VCV002886954.4), dbSNP rs1212266400, ClinGen allele CA396898186.